The following is an entry in ClinVar:

ClinVar aggregate classification (germline): Uncertain significance (1 of 4 stars; one submission).

gnomAD v4.1: 1 of 1,614,030 alleles (0.000062%); highest among the groups gnomAD compares: African/African-American, 0.0013%; no homozygotes.

Submission:

Labcorp Genetics (formerly Invitae), Labcorp
Classification: Uncertain significance. Last evaluated: 2025-05-27. Review status: criteria provided, single submitter. Criteria: Invitae Variant Classification Sherloc (09022015). Collection method: clinical testing. Allele origin: germline.
Comment: This sequence change replaces isoleucine, which is neutral and non-polar, with asparagine, which is neutral and polar, at codon 416 of the WFS1 protein (p.Ile416Asn). This variant is present in population databases (no rsID available, gnomAD 0.01%). This missense change has been observed in individual(s) with clinical features of Wolfram syndrome and/or Wolfram syndrome (PMID: 35983751). In at least one individual the data is consistent with being in trans (on the opposite chromosome) from a pathogenic variant. Invitae Evidence Modeling of protein sequence and biophysical properties (such as structural, functional, and spatial information, amino acid conservation, physicochemical variation, residue mobility, and thermodynamic stability) indicates that this missense variant is expected to disrupt WFS1 protein function with a positive predictive value of 80%. In summary, the available evidence is currently insufficient to determine the role of this variant in disease. Therefore, it has been classified as a Variant of Uncertain Significance.

Literature cited by the submitters: PubMed 35983751.

NM_006005.3(WFS1):c.1247T>A (p.Ile416Asn)

Gene: WFS1 (wolframin ER transmembrane glycoprotein; plus strand). Cytogenetic location: 4p16.1.
Variant type: single nucleotide variant.
Coding change: c.1247T>A on transcript NM_006005.3 (MANE Select); coding-DNA position 1247, T replaced by A.
Protein change: p.Ile416Asn; replaces isoleucine 416 with asparagine.
Molecular consequence: missense variant.
Genome position (GRCh38, 1-based): chr4:6,301,042, T>A. VCF-style: chr4-6301042-T-A. GRCh37 (hg19) VCF-style: chr4-6302769-T-A.
Other names: c.1247T>A, p.Ile416Asn (NM_001145853.1); short protein forms I416N.
Identifiers: ClinVar variation 4746132 (VCV004746132.1).